The following is an entry in ClinVar:

NM_144997.7(FLCN):c.1357G>A (p.Gly453Arg)

Gene: FLCN (folliculin; minus strand). Cytogenetic location: 17p11.2.
Variant type: single nucleotide variant.
Coding change: c.1357G>A on transcript NM_144997.7 (MANE Select); coding-DNA position 1357, G replaced by A.
Protein change: p.Gly453Arg; replaces glycine 453 with arginine.
Molecular consequence: missense variant.
Genome position (GRCh38, 1-based): chr17:17,215,260, C>T on the plus strand (G>A on the coding strand, the complement: FLCN is on the minus strand). VCF-style: chr17-17215260-C-T. GRCh37 (hg19) VCF-style: chr17-17118574-C-T.
Other names: c.1411G>A, p.Gly471Arg (NM_001353229.2); c.1357G>A, p.Gly453Arg (NM_001353230.2, NM_001353231.2); short protein forms G453R, G471R.
Identifiers: ClinVar variation 2675742 (VCV002675742.3), dbSNP rs2144838792, ClinGen allele CA398531364.
Genomic context (GRCh38, chr17:17,215,260, plus strand): 5'-CAGGGCTCCCACTGGTCACCACAAACTCGTACTTGCTGAGAGACTGGTCATCCTCACACC[C>T]CACAGGGTGGAGGGTGGAACGTGCGGCTGCGTGGACCTCCACGATGACAGCAAACTCTGT-3'
Protein context (NP_659434.2, residues 443-463): AAARSTLHPV[Gly453Arg]CEDDQSLSKY

ClinVar aggregate classification (germline): Uncertain significance. Review status: criteria provided, multiple submitters, no conflicts (2 of 4 stars). 3 submissions from 3 submitters: Uncertain significance (3). Last evaluated 2025-09-15.

Conditions:
Birt-Hogg-Dube syndrome. Also called: Birt Hogg Dubé syndrome. Identifiers: Orphanet 122, MedGen C0346010, MONDO:0800444.
Hereditary cancer-predisposing syndrome. Also called: Tumor predisposition; Neoplastic Syndromes, Hereditary; Hereditary Cancer Syndrome; Hereditary neoplastic syndrome. Identifiers: Orphanet 140162, MedGen C0027672, MeSH D009386, MONDO:0015356.

Allele frequency attached by ClinVar (database versions not stated): gnomAD exomes below 0.00001.
gnomAD v4.1: 4 of 1,614,194 alleles (0.00025%); highest among the groups gnomAD compares: Non-Finnish European, 0.00034%; no homozygotes.

Submissions (3):

Labcorp Genetics (formerly Invitae), Labcorp
Classification: Uncertain significance for Birt-Hogg-Dube syndrome. Last evaluated: 2025-09-15. Review status: criteria provided, single submitter. Criteria: Invitae Variant Classification Sherloc (09022015). Collection method: clinical testing. Allele origin: germline.
Comment: This sequence change replaces glycine, which is neutral and non-polar, with arginine, which is basic and polar, at codon 453 of the FLCN protein (p.Gly453Arg). This variant is not present in population databases (gnomAD no frequency). This variant has not been reported in the literature in individuals affected with FLCN-related conditions. ClinVar contains an entry for this variant (Variation ID: 2675742). An algorithm developed to predict the effect of missense changes on protein structure and function (PolyPhen-2) suggests that this variant is likely to be tolerated. In summary, the available evidence is currently insufficient to determine the role of this variant in disease. Therefore, it has been classified as a Variant of Uncertain Significance.

Ambry Genetics
Classification: Uncertain significance for Hereditary cancer-predisposing syndrome. Last evaluated: 2025-06-13. Review status: criteria provided, single submitter. Criteria: Ambry Variant Classification Scheme 2023. Collection method: clinical testing. Allele origin: germline.
Comment: The p.G453R variant (also known as c.1357G>A), located in coding exon 9 of the FLCN gene, results from a G to A substitution at nucleotide position 1357. The glycine at codon 453 is replaced by arginine, an amino acid with dissimilar properties. This amino acid position is not well conserved in available vertebrate species. In addition, the in silico prediction for this alteration is inconclusive. Based on the available evidence, the clinical significance of this variant remains unclear.

Baylor Genetics
Classification: Uncertain significance for Birt-Hogg-Dube syndrome 1. Last evaluated: 2023-08-13. Review status: criteria provided, single submitter. Criteria: ACMG Guidelines, 2015. Collection method: clinical testing. Allele origin: unknown.